The following is an entry in ClinVar:

ClinVar aggregate classification (germline): Benign/Likely benign. Review status: criteria provided, multiple submitters, no conflicts (2 of 4 stars). 7 submissions from 7 submitters: Benign (3); Likely benign (2). 2 of the submissions do not count toward it. Last evaluated 2026-02-03.

Conditions:
HUWE1-related disorder. Also called: HUWE1-related condition.
Inborn genetic diseases. Identifiers: MedGen C0950123, MeSH D030342.
Intellectual developmental disorder, X-linked, syndromic, Turner type. Also called: Intellectual disability, X-linked syndromic, Turner type; X-linked intellectual disability, Turner type. Identifiers: Orphanet 3056, Orphanet 85328, MedGen C2678046, MONDO:0010407, OMIM 309590.

Allele frequency attached by ClinVar (database versions not stated): gnomAD exomes 0.00116 and 0.00310; ExAC 0.00432; gnomAD 0.01097 and 0.01175; TOPMed 0.01248; 1000 Genomes Project 30x 0.01290; 1000 Genomes Project 0.01298; ESP Exome Variant Server 0.01524.
gnomAD v4.1: 2,541 of 1,209,562 alleles (0.21%); highest among the groups gnomAD compares: African/African-American, 4%; 43 homozygotes.

Submissions (21):

Labcorp Genetics (formerly Invitae), Labcorp
Classification: Benign. Last evaluated: 2026-02-03. Review status: criteria provided, single submitter. Criteria: Invitae Variant Classification Sherloc (09022015). Collection method: clinical testing. Allele origin: germline.

Fulgent Genetics
Classification: Likely benign for Intellectual developmental disorder, X-linked, syndromic, Turner type. Last evaluated: 2022-05-11. Review status: criteria provided, single submitter. Criteria: ACMG Guidelines, 2015. Collection method: clinical testing. Allele origin: unknown.

GeneDx
Classification: Likely benign. Last evaluated: 2021-02-23. Review status: criteria provided, single submitter. Criteria: GeneDx Variant Classification Process June 2021. Collection method: clinical testing. Allele origin: germline. Affected: yes.

Center for Pediatric Genomic Medicine, Children's Mercy Hospital and Clinics
Classification: Benign. Last evaluated: 2015-06-04. Review status: criteria provided, single submitter. Criteria: ACMG Guidelines, 2015. Collection method: clinical testing. Allele origin: germline.

Ambry Genetics
Classification: Benign for Inborn genetic diseases. Last evaluated: 2014-12-13. Review status: criteria provided, single submitter. Criteria: Ambry Variant Classification Scheme 2023. Collection method: clinical testing. Allele origin: germline.

PreventionGenetics, part of Exact Sciences
Classification: Benign for HUWE1-related condition. Last evaluated: 2020-04-14. Review status: no assertion criteria provided. Collection method: clinical testing. Allele origin: germline. Not counted in ClinVar's aggregate classification.
Comment: This variant is classified as benign based on ACMG/AMP sequence variant interpretation guidelines (Richards et al. 2015 PMID: 25741868, with internal and published modifications).

Dr. Peter K. Rogan Lab, Western University
No classification provided (evidence only). Condition: Clear cell carcinoma of kidney. Review status: no classification provided. Collection method: in vitro. Allele origin: not applicable. Functional consequence: retained intron. Not counted in ClinVar's aggregate classification.

Dr. Peter K. Rogan Lab, Western University
No classification provided (evidence only). Condition: Familial cancer of breast. Review status: no classification provided. Collection method: in vitro. Allele origin: not applicable. Functional consequence: retained intron. Not counted in ClinVar's aggregate classification.

Dr. Peter K. Rogan Lab, Western University
No classification provided (evidence only). Condition: Familial cancer of breast. Review status: no classification provided. Collection method: in vitro. Allele origin: not applicable. Functional consequence: retained intron. Not counted in ClinVar's aggregate classification.

Dr. Peter K. Rogan Lab, Western University
No classification provided (evidence only). Condition: Familial cancer of breast. Review status: no classification provided. Collection method: in vitro. Allele origin: not applicable. Functional consequence: retained intron. Not counted in ClinVar's aggregate classification.

Dr. Peter K. Rogan Lab, Western University
No classification provided (evidence only). Condition: Acute myeloid leukemia. Review status: no classification provided. Collection method: in vitro. Allele origin: not applicable. Functional consequence: retained intron. Not counted in ClinVar's aggregate classification.

Dr. Peter K. Rogan Lab, Western University
No classification provided (evidence only). Condition: Uterine corpus endometrial carcinoma. Review status: no classification provided. Collection method: in vitro. Allele origin: not applicable. Functional consequence: retained intron. Not counted in ClinVar's aggregate classification.

Dr. Peter K. Rogan Lab, Western University
No classification provided (evidence only). Condition: Uterine corpus endometrial carcinoma. Review status: no classification provided. Collection method: in vitro. Allele origin: not applicable. Functional consequence: retained intron. Not counted in ClinVar's aggregate classification.

Dr. Peter K. Rogan Lab, Western University
No classification provided (evidence only). Condition: Uterine corpus endometrial carcinoma. Review status: no classification provided. Collection method: in vitro. Allele origin: not applicable. Functional consequence: retained intron. Not counted in ClinVar's aggregate classification.

Dr. Peter K. Rogan Lab, Western University
No classification provided (evidence only). Condition: Uterine corpus endometrial carcinoma. Review status: no classification provided. Collection method: in vitro. Allele origin: not applicable. Functional consequence: retained intron. Not counted in ClinVar's aggregate classification.

Dr. Peter K. Rogan Lab, Western University
No classification provided (evidence only). Condition: Cervical cancer. Review status: no classification provided. Collection method: in vitro. Allele origin: not applicable. Functional consequence: retained intron. Not counted in ClinVar's aggregate classification.

Dr. Peter K. Rogan Lab, Western University
No classification provided (evidence only). Condition: Cervical cancer. Review status: no classification provided. Collection method: in vitro. Allele origin: not applicable. Functional consequence: retained intron. Not counted in ClinVar's aggregate classification.

Dr. Peter K. Rogan Lab, Western University
No classification provided (evidence only). Condition: Sarcoma. Review status: no classification provided. Collection method: in vitro. Allele origin: not applicable. Functional consequence: retained intron. Not counted in ClinVar's aggregate classification.

Dr. Peter K. Rogan Lab, Western University
No classification provided (evidence only). Condition: Sarcoma. Review status: no classification provided. Collection method: in vitro. Allele origin: not applicable. Functional consequence: retained intron. Not counted in ClinVar's aggregate classification.

Dr. Peter K. Rogan Lab, Western University
No classification provided (evidence only). Condition: Ovarian serous cystadenocarcinoma. Review status: no classification provided. Collection method: in vitro. Allele origin: not applicable. Functional consequence: retained intron. Not counted in ClinVar's aggregate classification.

Genetic Services Laboratory, University of Chicago
Classification: Likely benign for AllHighlyPenetrant. Review status: no assertion criteria provided. Collection method: clinical testing. Allele origin: germline. Inheritance: X-linked inheritance. Not counted in ClinVar's aggregate classification.
Comment: Likely benign based on allele frequency in 1000 Genomes Project or ESP global frequency and its presence in a patient with a rare or unrelated disease phenotype. NOT Sanger confirmed.

NM_031407.7(HUWE1):c.5716+5G>A

Gene: HUWE1 (HECT, UBA and WWE domain containing E3 ubiquitin protein ligase 1; minus strand). Cytogenetic location: Xp11.22.
Variant type: single nucleotide variant.
Coding change: c.5716+5G>A on transcript NM_031407.7 (MANE Select); 5 bases into the intron after coding-DNA position 5716, G replaced by A.
Molecular consequence: intron variant.
Genome position (GRCh38, 1-based): chrX:53,580,826, C>T on the plus strand (G>A on the coding strand, the complement: HUWE1 is on the minus strand). VCF-style: chrX-53580826-C-T. GRCh37 (hg19) VCF-style: chrX-53607786-C-T.
Identifiers: ClinVar variation 129254 (VCV000129254.27), dbSNP rs139135300, ClinGen allele CA153135.